The following is an entry in ClinVar:

ClinVar aggregate classification (germline): Benign/Likely benign. Review status: criteria provided, multiple submitters, no conflicts (2 of 4 stars). 8 submissions from 8 submitters: Benign (2); Likely benign (6). Last evaluated 2026-02-05.

Conditions:
3-methylglutaconic aciduria, type VIIB (MGCA7B). Also called: CLPB Deficiency; 3-methylglutaconic aciduria with cataracts, neurologic involvement and neutropenia; 3-methylglutaconic aciduria, type VII, with cataracts, neurologic involvement and neutropenia. Identifiers: Orphanet 445038, MedGen C5676893, MONDO:0014561, OMIM 616271.
Inborn genetic diseases. Identifiers: MedGen C0950123, MeSH D030342.

Allele frequency attached by ClinVar (database versions not stated): gnomAD exomes 0.00021 and 0.00059; ExAC 0.00077; 1000 Genomes Project 30x 0.00156; 1000 Genomes Project 0.00160; ESP Exome Variant Server 0.00185; gnomAD 0.00228 and 0.00247; TOPMed 0.00248.
gnomAD v4.1: 671 of 1,614,092 alleles (0.042%); highest among the groups gnomAD compares: African/African-American, 0.8%; 1 homozygote.

Submissions (8):

Women's Health and Genetics/Laboratory Corporation of America, LabCorp
Classification: Likely benign. Last evaluated: 2026-02-05. Review status: criteria provided, single submitter. Criteria: LabCorp Variant Classification Summary - May 2015. Collection method: clinical testing. Allele origin: germline.
Comment: Variant summary: CLPB c.661G>A (p.Gly221Ser) results in a non-conservative amino acid change in the encoded protein sequence. Algorithms developed to predict the effect of missense changes on protein structure and function are either unavailable or do not agree on the potential impact of this missense change. The variant allele was found at a frequency of 0.00059 in 251138 control chromosomes, predominantly at a frequency of 0.0087 within the African or African-American subpopulation in the gnomAD database, including 1 homozygote. The observed variant frequency within African or African-American control individuals in the gnomAD database exceeds the estimated maximal expected allele frequency for disease-causing variants in CLPB. To our knowledge, no occurrence of c.661G>A in individuals affected with CLPB-related conditions and no experimental evidence demonstrating its impact on protein function have been reported. ClinVar contains an entry for this variant (Variation ID: 542781). Based on the evidence outlined above, the variant was classified as likely benign.

Labcorp Genetics (formerly Invitae), Labcorp
Classification: Benign for 3-methylglutaconic aciduria, type VIIB. Last evaluated: 2026-01-27. Review status: criteria provided, single submitter. Criteria: Invitae Variant Classification Sherloc (09022015). Collection method: clinical testing. Allele origin: germline.

Mayo Clinic Laboratories, Mayo Clinic
Classification: Likely benign. Last evaluated: 2025-11-06. Review status: criteria provided, single submitter. Criteria: ACMG Guidelines, 2015. Collection method: clinical testing. Allele origin: germline. Observed: 3 variant alleles.
Comment: BS1, BP4_moderate

Blueprint Genetics
Classification: Likely benign. Last evaluated: 2024-10-16. Review status: criteria provided, single submitter. Criteria: ACMG Guidelines, 2015. Collection method: clinical testing. Allele origin: germline.

Ambry Genetics
Classification: Likely benign for Inborn genetic diseases. Last evaluated: 2021-10-12. Review status: criteria provided, single submitter. Criteria: Ambry Variant Classification Scheme 2023. Collection method: clinical testing. Allele origin: germline.

CeGaT Center for Human Genetics Tuebingen
Classification: Likely benign. Last evaluated: 2021-03-01. Review status: criteria provided, single submitter. Criteria: CeGaT Center For Human Genetics Tuebingen Variant Classification Criteria Version 2. Collection method: clinical testing. Allele origin: germline. Affected: yes. Observed: 1 variant allele.

GeneDx
Classification: Benign. Last evaluated: 2020-06-10. Review status: criteria provided, single submitter. Criteria: GeneDx Variant Classification Process June 2021. Collection method: clinical testing. Allele origin: germline. Affected: yes.

Breakthrough Genomics
Classification: Likely benign. Review status: criteria provided, single submitter. Criteria: ACMG Guidelines, 2015. Collection method: not provided. Allele origin: germline. Inheritance: Autosomal recessive inheritance. Affected: yes.

NM_030813.6(CLPB):c.661G>A (p.Gly221Ser)

Gene: CLPB (ClpB family mitochondrial disaggregase; minus strand). Cytogenetic location: 11q13.4.
Variant type: single nucleotide variant.
Coding change: c.661G>A on transcript NM_030813.6 (MANE Plus Clinical); coding-DNA position 661, G replaced by A.
Protein change: p.Gly221Ser; replaces glycine 221 with serine.
Molecular consequence: missense variant. On other transcripts: intron variant (2).
Genome position (GRCh38, 1-based): chr11:72,373,000, C>T on the plus strand (G>A on the coding strand, the complement: CLPB is on the minus strand). VCF-style: chr11-72373000-C-T. GRCh37 (hg19) VCF-style: chr11-72084044-C-T.
Other names: p.Gly221Ser; c.661G>A (NM_030813.3); c.526G>A, p.Gly176Ser (NM_001258394.3); c.559+7281G>A (NM_001258393.3); c.646+7281G>A (NM_001258392.3); short protein forms G221S, G176S.
Identifiers: ClinVar variation 542781 (VCV000542781.54), dbSNP rs150552809, ClinGen allele CA6171480.